The following is an entry in ClinVar:

ClinVar aggregate classification (germline): Conflicting classifications of pathogenicity. Review status: criteria provided, conflicting classifications (1 of 4 stars). 3 submissions from 3 submitters: Uncertain significance (1); Likely benign (2). Last evaluated 2024-11-15.

Conditions:
Inborn genetic diseases. Identifiers: MedGen C0950123, MeSH D030342.
Townes syndrome (TBS). Also called: Townes-Brocks syndrome. Identifiers: Orphanet 857, MedGen C0265246, MeSH C536974, MONDO:0007142.

gnomAD v4.1: 36 of 1,597,458 alleles (0.0023%); highest among the groups gnomAD compares: East Asian, 0.011%; no homozygotes.

Submissions (3):

Ambry Genetics
Classification: Likely benign for Inborn genetic diseases. Last evaluated: 2024-11-15. Review status: criteria provided, single submitter. Criteria: Ambry Variant Classification Scheme 2023. Collection method: clinical testing. Allele origin: germline.

Labcorp Genetics (formerly Invitae), Labcorp
Classification: Uncertain significance for Townes syndrome. Last evaluated: 2024-10-17. Review status: criteria provided, single submitter. Criteria: Invitae Variant Classification Sherloc (09022015). Collection method: clinical testing. Allele origin: germline.
Comment: This sequence change replaces serine, which is neutral and polar, with glycine, which is neutral and non-polar, at codon 157 of the SALL1 protein (p.Ser157Gly). The frequency data for this variant in the population databases is considered unreliable, as metrics indicate poor data quality at this position in the gnomAD database. This variant has not been reported in the literature in individuals affected with SALL1-related conditions. An algorithm developed to predict the effect of missense changes on protein structure and function outputs the following: PolyPhen-2: "Benign". The glycine amino acid residue is found in multiple mammalian species, which suggests that this missense change does not adversely affect protein function. In summary, the available evidence is currently insufficient to determine the role of this variant in disease. Therefore, it has been classified as a Variant of Uncertain Significance.

Blueprint Genetics
Classification: Likely benign. Last evaluated: 2021-04-09. Review status: criteria provided, single submitter. Criteria: ACMG Guidelines, 2015. Collection method: clinical testing. Allele origin: germline.

NM_002968.3(SALL1):c.469A>G (p.Ser157Gly)

Gene: SALL1 (spalt like transcription factor 1; minus strand). Cytogenetic location: 16q12.1.
Variant type: single nucleotide variant.
Coding change: c.469A>G on transcript NM_002968.3 (MANE Select); coding-DNA position 469, A replaced by G.
Protein change: p.Ser157Gly; replaces serine 157 with glycine.
Molecular consequence: missense variant.
Genome position (GRCh38, 1-based): chr16:51,141,753, T>C on the plus strand (A>G on the coding strand, the complement: SALL1 is on the minus strand). VCF-style: chr16-51141753-T-C. GRCh37 (hg19) VCF-style: chr16-51175664-T-C.
Other names: c.178A>G, p.Ser60Gly (NM_001127892.2); short protein forms S60G, S157G.
Identifiers: ClinVar variation 3436844 (VCV003436844.4).